The following is an entry in ClinVar:

NM_000046.5(ARSB):c.1190C>T (p.Pro397Leu)

Gene: ARSB (arylsulfatase B; minus strand). Cytogenetic location: 5q14.1.
Variant type: single nucleotide variant.
Coding change: c.1190C>T on transcript NM_000046.5 (MANE Select); coding-DNA position 1190, C replaced by T.
Protein change: p.Pro397Leu; replaces proline 397 with leucine.
Molecular consequence: missense variant.
Genome position (GRCh38, 1-based): chr5:78,839,379, G>A on the plus strand (C>T on the coding strand, the complement: ARSB is on the minus strand). VCF-style: chr5-78839379-G-A. GRCh37 (hg19) VCF-style: chr5-78135202-G-A.
Other names: c.1190C>T (NM_000046.3); c.1190C>T, p.Pro397Leu (NM_198709.3); short protein forms P397L.
Identifiers: ClinVar variation 1991901 (VCV001991901.3), dbSNP rs367922842, ClinGen allele CA121685558.

ClinVar aggregate classification (germline): Uncertain significance. Review status: criteria provided, multiple submitters, no conflicts (2 of 4 stars). 2 submissions from 2 submitters: Uncertain significance (2). Last evaluated 2023-01-25.

Conditions:
Inborn genetic diseases. Identifiers: MedGen C0950123, MeSH D030342.
Mucopolysaccharidosis type 6 (MPS6). Also called: MPS VI; N-ACETYLGALACTOSAMINE-4-SULFATASE DEFICIENCY; ARSB DEFICIENCY; ARYLSULFATASE B DEFICIENCY; MPS 6; Maroteaux Lamy syndrome. Identifiers: Orphanet 583, MedGen C0026709, MONDO:0009661, OMIM 253200.

Allele frequency attached by ClinVar (database versions not stated): gnomAD exomes below 0.00001; gnomAD 0.00001.
gnomAD v4.1: 5 of 1,613,666 alleles (0.00031%); highest among the groups gnomAD compares: East Asian, 0.0022%; no homozygotes.

Submissions (2):

Ambry Genetics
Classification: Uncertain significance for Inborn genetic diseases. Last evaluated: 2023-01-25. Review status: criteria provided, single submitter. Criteria: Ambry Variant Classification Scheme 2023. Collection method: clinical testing. Allele origin: germline.

Labcorp Genetics (formerly Invitae), Labcorp
Classification: Uncertain significance for Mucopolysaccharidosis type 6. Last evaluated: 2022-07-31. Review status: criteria provided, single submitter. Criteria: Invitae Variant Classification Sherloc (09022015). Collection method: clinical testing. Allele origin: germline.
Comment: This sequence change replaces proline, which is neutral and non-polar, with leucine, which is neutral and non-polar, at codon 397 of the ARSB protein (p.Pro397Leu). This variant is not present in population databases (gnomAD no frequency). This variant has not been reported in the literature in individuals affected with ARSB-related conditions. Advanced modeling of protein sequence and biophysical properties (such as structural, functional, and spatial information, amino acid conservation, physicochemical variation, residue mobility, and thermodynamic stability) performed at Invitae indicates that this missense variant is expected to disrupt ARSB protein function. In summary, the available evidence is currently insufficient to determine the role of this variant in disease. Therefore, it has been classified as a Variant of Uncertain Significance.